The following is an entry in ClinVar:

ClinVar aggregate classification (germline): Uncertain significance (1 of 4 stars; one submission).

Conditions:
Deficiency of aromatic-L-amino-acid decarboxylase. Also called: Aromatic amino acid decarboxylase deficiency; AADC DEFICIENCY; DDC DEFICIENCY; DOPA DECARBOXYLASE DEFICIENCY; Aromatic L-Amino Acid Decarboxylase Deficiency. Identifiers: Orphanet 35708, MedGen C1291564, MONDO:0012084, OMIM 608643.

Allele frequency attached by ClinVar (database versions not stated): gnomAD exomes below 0.00001; gnomAD 0.00001; TOPMed 0.00001.
gnomAD v4.1: 6 of 1,611,804 alleles (0.00037%); highest among the groups gnomAD compares: Non-Finnish European, 0.00051%; no homozygotes.

Submission:

Labcorp Genetics (formerly Invitae), Labcorp
Classification: Uncertain significance for Deficiency of aromatic-L-amino-acid decarboxylase. Last evaluated: 2022-04-06. Review status: criteria provided, single submitter. Criteria: Invitae Variant Classification Sherloc (09022015). Collection method: clinical testing. Allele origin: germline.
Comment: This sequence change falls in intron 6 of the DDC gene. It does not directly change the encoded amino acid sequence of the DDC protein. It affects a nucleotide within the consensus splice site. This variant is not present in population databases (gnomAD no frequency). This variant has not been reported in the literature in individuals affected with DDC-related conditions. Variants that disrupt the consensus splice site are a relatively common cause of aberrant splicing (PMID: 17576681, 9536098). Algorithms developed to predict the effect of sequence changes on RNA splicing suggest that this variant is not likely to affect RNA splicing. In summary, the available evidence is currently insufficient to determine the role of this variant in disease. Therefore, it has been classified as a Variant of Uncertain Significance.

Literature cited by the submitters: PubMed 17576681; PubMed 9536098.

NM_001082971.2(DDC):c.715-3T>C

Gene: DDC (dopa decarboxylase; minus strand). Cytogenetic location: 7p12.1.
Variant type: single nucleotide variant.
Coding change: c.715-3T>C on transcript NM_001082971.2 (MANE Select); 3 bases into the intron before coding-DNA position 715, T replaced by C.
Molecular consequence: intron variant.
Genome position (GRCh38, 1-based): chr7:50,504,062, A>G on the plus strand (T>C on the coding strand, the complement: DDC is on the minus strand). VCF-style: chr7-50504062-A-G. GRCh37 (hg19) VCF-style: chr7-50571760-A-G.
Other names: c.481-3T>C (NM_001242888.2); c.601-3T>C (NM_001242886.2); c.436-3T>C (NM_001242889.2); c.571-3T>C (NM_001242887.2); c.715-3T>C (NM_000790.4, NM_001242890.2).
Identifiers: ClinVar variation 2193118 (VCV002193118.2), dbSNP rs1422086336, ClinGen allele CA839371560.